The following is an entry in ClinVar:

ClinVar aggregate classification (germline): Uncertain significance (1 of 4 stars; one submission).

Conditions:
Cardiovascular phenotype. Identifiers: MedGen CN230736.

gnomAD v4.1: 1 of 1,614,050 alleles (0.000062%); highest among the groups gnomAD compares: Admixed American, 0.0017%; no homozygotes.

Submission:

Ambry Genetics
Classification: Uncertain significance for Cardiovascular phenotype. Last evaluated: 2024-03-19. Review status: criteria provided, single submitter. Criteria: Ambry Variant Classification Scheme 2023. Collection method: clinical testing. Allele origin: germline.
Comment: The p.D2864N variant (also known as c.8590G>A), located in coding exon 38 of the ANK2 gene, results from a G to A substitution at nucleotide position 8590. The aspartic acid at codon 2864 is replaced by asparagine, an amino acid with highly similar properties. This amino acid position is conserved. In addition, this alteration is predicted to be tolerated by in silico analysis. Based on the available evidence, the clinical significance of this alteration remains unclear.

NM_001148.6(ANK2):c.8590G>A (p.Asp2864Asn)

Gene: ANK2 (ankyrin 2; plus strand). Cytogenetic location: 4q26.
Variant type: single nucleotide variant.
Coding change: c.8590G>A on transcript NM_001148.6 (MANE Select); coding-DNA position 8590, G replaced by A.
Protein change: p.Asp2864Asn; replaces aspartic acid 2864 with asparagine.
Molecular consequence: missense variant. On other transcripts: intron variant (68).
Genome position (GRCh38, 1-based): chr4:113,357,208, G>A. VCF-style: chr4-113357208-G-A. GRCh37 (hg19) VCF-style: chr4-114278364-G-A.
Other names: c.8356G>A, p.Asp2786Asn (NM_001386142.1); c.4990G>A, p.Asp1664Asn (NM_001386166.1); c.8731G>A, p.Asp2911Asn (NM_001386174.1); c.8707G>A, p.Asp2903Asn (NM_001386175.1); c.4412-3615G>A (NM_001386186.2, NM_001386148.2); c.4214-3615G>A (NM_001354269.3); c.4292-3615G>A (NM_001386187.2); c.4253-3615G>A (NM_001386147.1); and 35 more; short protein forms D2864N, D2786N, D2903N, D1664N, D2911N.
Identifiers: ClinVar variation 3294726 (VCV003294726.1).